The following is an entry in ClinVar:

NM_007118.4(TRIO):c.3935G>A (p.Arg1312Gln)

Gene: TRIO (trio Rho guanine nucleotide exchange factor; plus strand). Cytogenetic location: 5p15.2.
Variant type: single nucleotide variant.
Coding change: c.3935G>A on transcript NM_007118.4 (MANE Select); coding-DNA position 3935, G replaced by A.
Protein change: p.Arg1312Gln; replaces arginine 1312 with glutamine.
Molecular consequence: missense variant. On other transcripts: non-coding transcript variant (1).
Genome position (GRCh38, 1-based): chr5:14,388,666, G>A. VCF-style: chr5-14388666-G-A. GRCh37 (hg19) VCF-style: chr5-14388775-G-A.
Other names: p.Arg1312Gln; short protein forms R1312Q.
Identifiers: ClinVar variation 2203765 (VCV002203765.26), dbSNP rs1301844875, ClinGen allele CA359229042.

ClinVar aggregate classification (germline): Uncertain significance. Review status: criteria provided, multiple submitters, no conflicts (2 of 4 stars). 2 submissions from 2 submitters: Uncertain significance (2). Last evaluated 2023-08-01.

Conditions:
Intellectual developmental disorder, autosomal dominant 44, with microcephaly. Also called: Micrognathia-recurrent infections-behavioral abnormalities-mild intellectual disability syndrome; TRIO-Related Intellectual Disability. Identifiers: Orphanet 476126, MedGen C4310740, MONDO:0014892, OMIM 617061.

Allele frequency attached by ClinVar (database versions not stated): TOPMed below 0.00001; gnomAD 0.00001; gnomAD exomes 0.00001.
gnomAD v4.1: 8 of 1,612,222 alleles (0.0005%); highest among the groups gnomAD compares: South Asian, 0.0011%; no homozygotes.

Submissions (2):

CeGaT Center for Human Genetics Tuebingen
Classification: Uncertain significance. Last evaluated: 2023-08-01. Review status: criteria provided, single submitter. Criteria: CeGaT Center For Human Genetics Tuebingen Variant Classification Criteria Version 2. Collection method: clinical testing. Allele origin: germline. Affected: yes. Observed: 1 variant allele.

Foundation for Research in Genetics and Endocrinology, FRIGE's Institute of Human Genetics
Classification: Uncertain significance for Intellectual developmental disorder, autosomal dominant 44, with microcephaly. Last evaluated: 2022-12-22. Review status: criteria provided, single submitter. Criteria: ACMG Guidelines, 2015. Collection method: clinical testing. Allele origin: germline. Inheritance: Autosomal dominant inheritance. Affected: yes. Observed: 1 heterozygote.
Comment: A heterozygous missense variation in exon 24 of the TRIO gene that results in the amino acid substitution of Glutamine for Arginine at codon 1312 (p.Arg1312Gln) was detected. This variant has not been reported in the 1000 genomes and gnomAD databases. The in silico predictions of the variant are probably damaging by PolyPhen-2 (HumDiv), and damaging by LRT and MutationTaster2. The reference codon is conserved across species.